The following is an entry in ClinVar:

ClinVar aggregate classification (germline): Conflicting classifications of pathogenicity. Review status: criteria provided, conflicting classifications (1 of 4 stars). 6 submissions from 6 submitters: Uncertain significance (4); Likely benign (2). Last evaluated 2026-09-09.

Conditions:
Cardiovascular phenotype. Identifiers: MedGen CN230736.
Familial hypercholesterolemia. Also called: Familial hypercholesterolaemia; Familial hypercholesterolemias. Identifiers: MedGen C0020445, MONDO:0005439.
Familial hypobetalipoproteinemia 1. Also called: Hypobetalipoproteinemia, normotriglyceridemic; Acanthocytosis with hypobetalipoproteinemia; APOB-Related Familial Hypobetalipoproteinemia. Identifiers: MedGen C4551990, MONDO:0014252, OMIM 615558.
Hypercholesterolemia, autosomal dominant, type B (FHCL2). Also called: Familial Hypercholesterolemia Type B; APOLIPOPROTEIN B-100, FAMILIAL DEFECTIVE; APOLIPOPROTEIN B-100, FAMILIAL LIGAND-DEFECTIVE; APOB-Related Familial Hypercholesterolemia, Autosomal Dominant; Hyperlipoproteinemia Type IIb; HYPERCHOLESTEROLEMIA, FAMILIAL, DUE TO LIGAND-DEFECTIVE APOLIPOPROTEIN B. Identifiers: MedGen C1704417, MONDO:0007751, OMIM 144010.

Allele frequency attached by ClinVar (database versions not stated): ExAC 0.00015; gnomAD exomes 0.00016 and 0.00031; TOPMed 0.00025; gnomAD 0.00028 and 0.00029; ESP Exome Variant Server 0.00038.
gnomAD v4.1: 479 of 1,613,924 alleles (0.03%); highest among the groups gnomAD compares: Non-Finnish European, 0.039%; no homozygotes.

Submissions (6):

Cambridge Genomics Laboratory, East Genomic Laboratory Hub, NHS Genomic Medicine Service
Classification: Uncertain significance for Familial hypercholesterolaemia. Last evaluated: 2026-09-09. Review status: criteria provided, single submitter. Criteria: ACGS Best Practice Guidelines for Variant Classification in Rare Disease 2020. Collection method: clinical testing. Allele origin: germline. Affected: yes.

GeneDx
Classification: Uncertain significance. Last evaluated: 2026-08-27. Review status: criteria provided, single submitter. Criteria: GeneDx Variant Classification Process June 2021. Collection method: clinical testing. Allele origin: germline.
Comment: Identified in a cohort of pediatric patients with at least suspicion for familial hypercholesterolemia (PMID: 35913489); In silico analysis supports that this missense variant has a deleterious effect on protein structure/function; Also known as p.(Y4524H); This variant is associated with the following publications: (PMID: 35913489)

Labcorp Genetics (formerly Invitae), Labcorp
Classification: Likely benign for Familial hypobetalipoproteinemia 1; Hypercholesterolemia, autosomal dominant, type B. Last evaluated: 2026-01-16. Review status: criteria provided, single submitter. Criteria: Invitae Variant Classification Sherloc (09022015). Collection method: clinical testing. Allele origin: germline.

Blueprint Genetics
Classification: Uncertain significance. Last evaluated: 2022-11-02. Review status: criteria provided, single submitter. Criteria: ACMG Guidelines, 2015. Collection method: clinical testing. Allele origin: germline.

Ambry Genetics
Classification: Likely benign for Cardiovascular phenotype. Last evaluated: 2021-11-22. Review status: criteria provided, single submitter. Criteria: Ambry Variant Classification Scheme 2023. Collection method: clinical testing. Allele origin: germline.

Color Diagnostics, LLC DBA Color Health
Classification: Uncertain significance for Familial hypercholesterolemia. Last evaluated: 2019-07-09. Review status: criteria provided, single submitter. Criteria: ACMG Guidelines, 2015. Collection method: clinical testing. Allele origin: germline.
Comment: This missense variant (also known as p.Tyr4524His in the mature protein) replaces tyrosine with histidine at codon 4551 of the APOB protein. Computational prediction tools and conservation analyses suggest that this variant may not impact the protein function. Computational splicing tools suggest that this variant may not impact RNA splicing. To our knowledge, functional assays have not been performed for this variant nor has this variant been reported in individuals affected with familial hypercholesterolemia in the literature. This variant has been identified in 49/282654 chromosomes in the general population by the Genome Aggregation Database (gnomAD). Available evidence is insufficient to determine the role of this variant in disease conclusively. Therefore, this variant is classified as a Variant of Uncertain Significance.

NM_000384.3(APOB):c.13651T>C (p.Tyr4551His)

Genes: APOB (apolipoprotein B; minus strand), APOB3'MAR (APOB 3' scaffold/matrix attachment region; plus strand). Cytogenetic location: 2p24.1.
Variant type: single nucleotide variant.
Coding change: c.13651T>C on transcript NM_000384.3 (MANE Select); coding-DNA position 13651, T replaced by C.
Protein change: p.Tyr4551His; replaces tyrosine 4551 with histidine.
Molecular consequence: missense variant.
Genome position (GRCh38, 1-based): chr2:21,001,771, A>G on the plus strand (T>C on the coding strand, the complement: APOB is on the minus strand). VCF-style: chr2-21001771-A-G. GRCh37 (hg19) VCF-style: chr2-21224643-A-G.
Other names: short protein forms Y4551H.
Identifiers: ClinVar variation 630601 (VCV000630601.63), dbSNP rs145832414, ClinGen allele CA053414.
Genomic context (GRCh38, chr2:21,001,771, plus strand): 5'-GAAGATTTCTTTTAAAAAATTAGAGGATGATAGTAAGTTCTCCTGGAGCAAGCTTCATGT[A>G]GGGGTTCATGACTGTGGTTGATTGCAGCTTTTTCAGTAACTCCGTGATGTATATCAGAAA-3'
Protein context (NP_000375.3, residues 4541-4561): KLQSTTVMNP[Tyr4551His]MKLAPGELTI